The following is an entry in ClinVar:

ClinVar aggregate classification (germline): Uncertain significance (1 of 4 stars; one submission).

Conditions:
Hereditary cancer-predisposing syndrome. Also called: Hereditary neoplastic syndrome; Neoplastic Syndromes, Hereditary; Tumor predisposition; Hereditary Cancer Syndrome. Identifiers: Orphanet 140162, MedGen C0027672, MeSH D009386, MONDO:0015356.

Submission:

Ambry Genetics
Classification: Uncertain significance for Hereditary cancer-predisposing syndrome. Last evaluated: 2025-01-17. Review status: criteria provided, single submitter. Criteria: Ambry Variant Classification Scheme 2023. Collection method: clinical testing. Allele origin: germline.
Comment: The p.K147R variant (also known as c.440A>G), located in coding exon 1 of the GREM1 gene, results from an A to G substitution at nucleotide position 440. The lysine at codon 147 is replaced by arginine, an amino acid with highly similar properties. This amino acid position is conserved. In addition, this alteration is predicted to be tolerated by in silico analysis. Based on the available evidence, the clinical significance of this variant remains unclear.

NM_013372.7(GREM1):c.440A>G (p.Lys147Arg)

Gene: GREM1 (gremlin 1, DAN family BMP antagonist; plus strand). Cytogenetic location: 15q13.3.
Variant type: single nucleotide variant.
Coding change: c.440A>G on transcript NM_013372.7 (MANE Select); coding-DNA position 440, A replaced by G.
Protein change: p.Lys147Arg; replaces lysine 147 with arginine.
Molecular consequence: missense variant.
Genome position (GRCh38, 1-based): chr15:32,731,130, A>G. VCF-style: chr15-32731130-A-G. GRCh37 (hg19) VCF-style: chr15-33023331-A-G.
Other names: c.440A>G, p.Lys147Arg (NM_001368719.1); c.230A>G, p.Lys77Arg (NM_001191322.2); c.317A>G, p.Lys106Arg (NM_001191323.2); short protein forms K77R, K147R, K106R.
Identifiers: ClinVar variation 3855656 (VCV003855656.1).
Genomic context (GRCh38, chr15:32,731,130, plus strand): 5'-TCCCCAGGCACATCCGGAAGGAGGAAGGTTCCTTTCAGTCCTGCTCCTTCTGCAAGCCCA[A>G]GAAATTCACTACCATGATGGTCACACTCAACTGCCCTGAACTACAGCCACCTACCAAGAA-3'
Protein context (NP_037504.1, residues 137-157): SFQSCSFCKP[Lys147Arg]KFTTMMVTLN